The following is an entry in ClinVar:

ClinVar aggregate classification (germline): Uncertain significance (1 of 4 stars; one submission).

Conditions:
Diamond-Blackfan anemia. Also called: Blackfan Diamond syndrome; Aregenerative anemia chronic congenital; Red cell aplasia, pure hereditary; Congenital hypoplastic anemia; Aase syndrome. Identifiers: Orphanet 124, MedGen C1260899, MeSH D029503, MONDO:0015253, HP:0004810.

Allele frequency attached by ClinVar (database versions not stated): gnomAD 0.00001.
gnomAD v4.1: 1 of 1,614,044 alleles (0.000062%); highest among the groups gnomAD compares: Non-Finnish European, 0.000085%; no homozygotes.

Submission:

Labcorp Genetics (formerly Invitae), Labcorp
Classification: Uncertain significance for Diamond-Blackfan anemia. Last evaluated: 2021-03-29. Review status: criteria provided, single submitter. Criteria: Invitae Variant Classification Sherloc (09022015). Collection method: clinical testing. Allele origin: germline.
Comment: In summary, the available evidence is currently insufficient to determine the role of this variant in disease. Therefore, it has been classified as a Variant of Uncertain Significance. Algorithms developed to predict the effect of sequence changes on RNA splicing suggest that this variant may create or strengthen a splice site, but this prediction has not been confirmed by published transcriptional studies. Algorithms developed to predict the effect of missense changes on protein structure and function (SIFT, PolyPhen-2, Align-GVGD) all suggest that this variant is likely to be tolerated, but these predictions have not been confirmed by published functional studies and their clinical significance is uncertain. This variant has not been reported in the literature in individuals with RPS10-related conditions. This variant is not present in population databases (ExAC no frequency). This sequence change replaces alanine with valine at codon 142 of the RPS10 protein (p.Ala142Val). The alanine residue is highly conserved and there is a small physicochemical difference between alanine and valine.

NM_001014.5(RPS10):c.425C>T (p.Ala142Val)

Genes: RPS10 (ribosomal protein S10; minus strand), RPS10-NUDT3 (RPS10-NUDT3 readthrough; minus strand). Cytogenetic location: 6p21.31.
Variant type: single nucleotide variant.
Coding change: c.425C>T on transcript NM_001014.5 (MANE Select); coding-DNA position 425, C replaced by T.
Protein change: p.Ala142Val; replaces alanine 142 with valine.
Molecular consequence: missense variant.
Genome position (GRCh38, 1-based): chr6:34,418,400, G>A on the plus strand (C>T on the coding strand, the complement: RPS10 is on the minus strand). VCF-style: chr6-34418400-G-A. GRCh37 (hg19) VCF-style: chr6-34386177-G-A.
Other names: c.425C>T, p.Ala142Val (NM_001202470.3, NM_001203245.3, NM_001204091.2); short protein forms A142V.
Identifiers: ClinVar variation 1488698 (VCV001488698.8), dbSNP rs1765648018, ClinGen allele CA363886059.